The following is an entry in ClinVar:

ClinVar aggregate classification (germline): Conflicting classifications of pathogenicity. Review status: criteria provided, conflicting classifications (1 of 4 stars). 3 submissions from 2 submitters: Uncertain significance (1); Likely benign (2). Last evaluated 2021-08-25.

Conditions:
Dilated cardiomyopathy 1J (CMD1J). Also called: CARDIOMYOPATHY, DILATED, WITH SENSORINEURAL HEARING LOSS, AUTOSOMAL DOMINANT. Identifiers: Orphanet 217622, MedGen C1854368, MONDO:0011541, OMIM 605362.
Autosomal dominant nonsyndromic hearing loss 10. Identifiers: Orphanet 90635, MedGen C1832476, MONDO:0011031, OMIM 601316.

Allele frequency attached by ClinVar (database versions not stated): gnomAD exomes 0.00045; 1000 Genomes Project 0.00200; 1000 Genomes Project 30x 0.00234; gnomAD 0.00338 and 0.00365; TOPMed 0.00415.
gnomAD v4.1: 910 of 1,002,818 alleles (0.091%); highest among the groups gnomAD compares: African/African-American, 1%; 9 homozygotes.

Submissions (3):

GeneDx
Classification: Likely benign. Last evaluated: 2021-08-25. Review status: criteria provided, single submitter. Criteria: GeneDx Variant Classification Process June 2021. Collection method: clinical testing. Allele origin: germline. Affected: yes.

Illumina Laboratory Services, Illumina
Classification: Uncertain significance for Dilated cardiomyopathy 1J. Last evaluated: 2018-01-13. Review status: criteria provided, single submitter. Criteria: ICSL Variant Classification Criteria 13 December 2019. Collection method: clinical testing. Allele origin: germline.

Illumina Laboratory Services, Illumina
Classification: Likely benign for Autosomal dominant nonsyndromic hearing loss 10. Last evaluated: 2018-01-13. Review status: criteria provided, single submitter. Criteria: ICSL Variant Classification Criteria 13 December 2019. Collection method: clinical testing. Allele origin: germline.
Comment: This variant was observed in the ICSL laboratory as part of a predisposition screen in an ostensibly healthy population. It had not been previously curated by ICSL or reported in the Human Gene Mutation Database (HGMD: prior to June 1st, 2018), and was therefore a candidate for classification through an automated scoring system. Utilizing variant allele frequency, disease prevalence and penetrance estimates, and inheritance mode, an automated score was calculated to assess if this variant is too frequent to cause the disease. Based on the score and internal cut-off values, a variant classified as likely benign is not then subjected to further curation. The score for this variant resulted in a classification of likely benign for this disease.

NM_004100.5(EYA4):c.*2044A>G

Genes: TARID (TCF21 antisense RNA inducing promoter demethylation; minus strand), EYA4 (EYA transcriptional coactivator and phosphatase 4; plus strand). Cytogenetic location: 6q23.2.
Variant type: single nucleotide variant.
Coding change: c.*2044A>G on transcript NM_004100.5 (MANE Select); 2044 bases downstream of the stop codon, A replaced by G.
Molecular consequence: 3 prime UTR variant.
Genome position (GRCh38, 1-based): chr6:133,530,849, A>G. VCF-style: chr6-133530849-A-G. GRCh37 (hg19) VCF-style: chr6-133851987-A-G.
Other names: c.*2044A>G (NM_001301012.2, NM_001301013.2, NM_001370458.1 and 3 more transcripts).
Identifiers: ClinVar variation 905648 (VCV000905648.5), dbSNP rs59167148, ClinGen allele CA148051342.
Genomic context (GRCh38, chr6:133,530,849, plus strand): 5'-TCTGCCCCAAGTACTATTCCAGGCAAATTAAAGTTGGAATACCTTTAATAATATAAAAAT[A>G]ATGATAGTAAATCTTATACTTCTGTTGGCCCTTAGCTTGAAAATAGCAGTTAAAAAAATT-3'